The following is an entry in ClinVar:

ClinVar aggregate classification (germline): Pathogenic (1 of 4 stars; one submission).

Conditions:
PHARC syndrome. Also called: Polyneuropathy-hearing loss-ataxia-retinitis pigmentosa-cataract syndrome. Identifiers: Orphanet 171848, MedGen C2675204, MONDO:0012984, OMIM 612674.

Submission:

Department of Opthalmology, Tianjin Medical University General Hospital
Classification: Pathogenic for PHARC syndrome. Last evaluated: 2024-09-03. Review status: criteria provided, single submitter. Criteria: ACMG Guidelines, 2015. Collection method: clinical testing. Allele origin: inherited. Affected: yes. Observed: 2 variant alleles, 1 heterozygote, 1 homozygote.
Comment: Classified as Pathogenic for autosomal recessive Retinitis pigmentosa. Rationale: Predicted loss-of-function frameshift (p.Ala47Glyfs*4) in ABHD12, consistent with a loss-of-function disease mechanism (PVS1). Variant is absent/rare in population databases (PM2). Evidence codes: PVS1, PM2, PM3_supporting. Family segregation consistent with recessive inheritance.

NM_001042472.3(ABHD12):c.134_137dup (p.Ala47fs)

Genes: ABHD12 (abhydrolase domain containing 12, lysophospholipase; minus strand), LOC130065586 (ATAC-STARR-seq lymphoblastoid silent region 12752; plus strand). Cytogenetic location: 20p11.21.
Variant type: Duplication.
Coding change: c.134_137dup on transcript NM_001042472.3 (MANE Select); coding-DNA positions 134 to 137, 4 bases duplicated (CGGC; older notation c.134_137dupCGGC).
Protein change: p.Ala47fs; shifts the reading frame from alanine 47.
Molecular consequence: frameshift variant.
Genome position (GRCh38, 1-based): chr20:25,390,567-25,390,570, GCCG duplicated on the plus strand (CGGC on the coding strand, the reverse complement: ABHD12 is on the minus strand); duplicating any 4 consecutive bases within chr20:25,390,567-25,390,571 gives the same sequence; the c. name uses the placement nearest the transcript's 3' end. VCF-style (leftmost placement, unchanged base first): chr20-25390566-C-CGCCG. GRCh37 (hg19) VCF-style: chr20-25371202-C-CGCCG.
Other names: p.Ala47Glyfs*4; c.134_137dup, p.Ala47fs (NM_015600.5); short protein forms A47fs.
Identifiers: ClinVar variation 4087742 (VCV004087742.1).